The following is an entry in ClinVar:

NM_000088.4(COL1A1):c.3082G>A (p.Gly1028Ser)

Gene: COL1A1 (collagen type I alpha 1 chain; minus strand). Cytogenetic location: 17q21.33.
Variant type: single nucleotide variant.
Coding change: c.3082G>A on transcript NM_000088.4 (MANE Select); coding-DNA position 3082, G replaced by A.
Protein change: p.Gly1028Ser; replaces glycine 1028 with serine.
Molecular consequence: missense variant.
Genome position (GRCh38, 1-based): chr17:50,188,759, C>T on the plus strand (G>A on the coding strand, the complement: COL1A1 is on the minus strand). VCF-style: chr17-50188759-C-T. GRCh37 (hg19) VCF-style: chr17-48266120-C-T.
Other names: short protein forms G1028S.
Identifiers: ClinVar variation 2506860 (VCV002506860.4), dbSNP rs72653175, ClinGen allele CA291543079.

ClinVar aggregate classification (germline): Pathogenic. Review status: criteria provided, multiple submitters, no conflicts (2 of 4 stars). 2 submissions from 2 submitters: Pathogenic (2). Last evaluated 2024-03-16.

Conditions:
Osteogenesis imperfecta type I (OI1). Also called: Lobstein's Disease; Osteogenesis imperfecta type 1; Classic Non-deforming Osteogenesis Imperfecta with Blue Sclerae; Lobstein disease; OI, TYPE I; OSTEOGENESIS IMPERFECTA TARDA. Identifiers: Orphanet 216796, Orphanet 666, MedGen C0023931, MONDO:0008146, OMIM 166200. Disease mechanism: loss of function.

Allele frequency attached by ClinVar (database versions not stated): gnomAD exomes below 0.00001; TOPMed below 0.00001.
gnomAD v4.1: 5 of 1,614,070 alleles (0.00031%); highest among the groups gnomAD compares: South Asian, 0.0011%; no homozygotes.

Submissions (2):

Labcorp Genetics (formerly Invitae), Labcorp
Classification: Pathogenic for Osteogenesis imperfecta type I. Last evaluated: 2024-03-16. Review status: criteria provided, single submitter. Criteria: Invitae Variant Classification Sherloc (09022015). Collection method: clinical testing. Allele origin: germline.
Comment: This sequence change replaces glycine, which is neutral and non-polar, with serine, which is neutral and polar, at codon 1028 of the COL1A1 protein (p.Gly1028Ser). This variant is not present in population databases (gnomAD no frequency). This missense change has been observed in individual(s) with osteogenesis imperfecta, type IV (PMID: 17078022). ClinVar contains an entry for this variant (Variation ID: 2506860). Advanced modeling of protein sequence and biophysical properties (such as structural, functional, and spatial information, amino acid conservation, physicochemical variation, residue mobility, and thermodynamic stability) performed at Invitae indicates that this missense variant is expected to disrupt COL1A1 protein function with a positive predictive value of 95%. This variant disrupts the triple helix domain of COL1A1. Glycine residues within the Gly-Xaa-Yaa repeats of the triple helix domain are required for the structure and stability of fibrillar collagens (PMID: 7695699, 8218237, 19344236). In COL1A1, variants affecting these glycine residues are significantly enriched in individuals with disease (PMID: 9016532, 17078022) compared to the general population (ExAC). For these reasons, this variant has been classified as Pathogenic.

GeneDx
Classification: Pathogenic. Last evaluated: 2022-12-23. Review status: criteria provided, single submitter. Criteria: GeneDx Variant Classification Process June 2021. Collection method: clinical testing. Allele origin: germline. Affected: yes.
Comment: Observed in a patient with osteogenesis imperfecta type IV in published literature (Marini et al., 2007) Marini JC et al. (2007) Hum Mutat 28 (3):209-21 (PMID: 17078022); Occurs in the triple helical domain and replaces a glycine in a canonical Gly-X-Y repeat; missense substitution of a canonical glycine residue is expected to disrupt normal protein folding and function, and this is an established mechanism of disease (Jovanovic et al., 2021); Not observed at significant frequency in large population cohorts (gnomAD); In silico analysis supports that this missense variant has a deleterious effect on protein structure/function; This variant is associated with the following publications: (PMID: 34007986, 17078022)

Literature cited by the submitters: PubMed 17078022 (cited by Labcorp Genetics (formerly Invitae), Labcorp); PubMed 7695699 (cited by Labcorp Genetics (formerly Invitae), Labcorp); PubMed 8218237 (cited by Labcorp Genetics (formerly Invitae), Labcorp); PubMed 19344236 (cited by Labcorp Genetics (formerly Invitae), Labcorp); PubMed 9016532 (cited by Labcorp Genetics (formerly Invitae), Labcorp).